The following is an entry in ClinVar:

ClinVar aggregate classification (germline): Likely benign. Review status: criteria provided, multiple submitters, no conflicts (2 of 4 stars). 2 submissions from 2 submitters: Likely benign (2). Last evaluated 2026-02-01.

Conditions:
Hereditary sensory and autonomic neuropathy type 7. Also called: Neuropathy, hereditary sensory and autonomic, type VII; HSAN VII. Identifiers: Orphanet 391397, MedGen C3809882, MONDO:0014244, OMIM 615548.
Familial episodic pain syndrome with predominantly lower limb involvement. Also called: Episodic pain syndrome, familial, 3. Identifiers: Orphanet 391384, Orphanet 391392, MedGen C3809899, MONDO:0014247, OMIM 615552.

Allele frequency attached by ClinVar (database versions not stated): gnomAD exomes below 0.00001; gnomAD 0.00001; TOPMed 0.00001.
gnomAD v4.1: 4 of 1,613,642 alleles (0.00025%); highest among the groups gnomAD compares: Non-Finnish European, 0.00034%; no homozygotes.

Submissions (2):

CeGaT Center for Human Genetics Tuebingen
Classification: Likely benign. Last evaluated: 2026-02-01. Review status: criteria provided, single submitter. Criteria: CeGaT Center For Human Genetics Tuebingen Variant Classification Criteria Version 2. Collection method: clinical testing. Allele origin: germline. Affected: yes. Observed: 2 variant alleles.
Comment: SCN11A: BP4, BP7

Labcorp Genetics (formerly Invitae), Labcorp
Classification: Likely benign for Familial episodic pain syndrome with predominantly lower limb involvement; Hereditary sensory and autonomic neuropathy type 7. Last evaluated: 2023-11-05. Review status: criteria provided, single submitter. Criteria: Invitae Variant Classification Sherloc (09022015). Collection method: clinical testing. Allele origin: germline.

NM_001349253.2(SCN11A):c.2316T>C (p.Asn772=)

Gene: SCN11A (sodium voltage-gated channel alpha subunit 11; minus strand). Cytogenetic location: 3p22.2.
Variant type: single nucleotide variant.
Coding change: c.2316T>C on transcript NM_001349253.2 (MANE Select); coding-DNA position 2316, T replaced by C.
Protein change: p.Asn772=; no amino-acid change (asparagine 772 retained).
Molecular consequence: synonymous variant.
Genome position (GRCh38, 1-based): chr3:38,896,932, A>G on the plus strand (T>C on the coding strand, the complement: SCN11A is on the minus strand). VCF-style: chr3-38896932-A-G. GRCh37 (hg19) VCF-style: chr3-38938423-A-G.
Other names: c.2316T>C, p.Asn772= (NM_014139.3).
Identifiers: ClinVar variation 2938775 (VCV002938775.10), dbSNP rs1316476025, ClinGen allele CA433139982.